The following is an entry in ClinVar:

NM_000444.6(PHEX):c.1864T>C (p.Tyr622His)

Genes: PTCHD1-AS (PTCHD1 and PHEX antisense RNA; minus strand), PHEX (phosphate regulating endopeptidase X-linked; plus strand). Cytogenetic location: Xp22.11.
Variant type: single nucleotide variant.
Coding change: c.1864T>C on transcript NM_000444.6 (MANE Select); coding-DNA position 1864, T replaced by C.
Protein change: p.Tyr622His; replaces tyrosine 622 with histidine.
Molecular consequence: missense variant.
Genome position (GRCh38, 1-based): chrX:22,221,708, T>C. VCF-style: chrX-22221708-T-C. GRCh37 (hg19) VCF-style: chrX-22239825-T-C.
Other names: c.1864T>C, p.Tyr622His (NM_001282754.2); short protein forms Y622H.
Identifiers: ClinVar variation 1483202 (VCV001483202.7), dbSNP rs2147174582, ClinGen allele CA412573841.

ClinVar aggregate classification (germline): Uncertain significance. Review status: criteria provided, single submitter (1 of 4 stars). 2 submissions from 2 submitters: Uncertain significance (1). 1 of the submissions does not count toward it. Last evaluated 2022-06-27.

Conditions:
Childhood hypophosphatasia. Identifiers: Orphanet 247667, Orphanet 436, MedGen C0220743, MONDO:1010168, OMIM 241510, MONDO:0009428.

Submissions (2):

Labcorp Genetics (formerly Invitae), Labcorp
Classification: Uncertain significance. Last evaluated: 2022-06-27. Review status: criteria provided, single submitter. Criteria: Invitae Variant Classification Sherloc (09022015). Collection method: clinical testing. Allele origin: germline.
Comment: This variant is not present in population databases (gnomAD no frequency). In summary, the available evidence is currently insufficient to determine the role of this variant in disease. Therefore, it has been classified as a Variant of Uncertain Significance. This variant disrupts the p.Tyr622 amino acid residue in PHEX. Other variant(s) that disrupt this residue have been observed in individuals with PHEX-related conditions (PMID: 30682568), which suggests that this may be a clinically significant amino acid residue. Advanced modeling of protein sequence and biophysical properties (such as structural, functional, and spatial information, amino acid conservation, physicochemical variation, residue mobility, and thermodynamic stability) performed at Invitae indicates that this missense variant is expected to disrupt PHEX protein function. This missense change has been observed in individual(s) with X-linked hypophosphatemia (Invitae). This sequence change replaces tyrosine, which is neutral and polar, with histidine, which is basic and polar, at codon 622 of the PHEX protein (p.Tyr622His).

Department of Pediatric Endocrinology, Shriners Hospitals for Children - Mexico City
No classification provided. Condition: Childhood hypophosphatasia. Review status: no classification provided. Collection method: phenotyping only. Allele origin: germline. Inheritance: X-linked dominant inheritance. Affected: yes. Observed: 1 variant allele. Not counted in ClinVar's aggregate classification.

Literature cited by the submitters: PubMed 30682568 (cited by Labcorp Genetics (formerly Invitae), Labcorp).